The following is an entry in ClinVar:

NM_001378454.1(ALMS1):c.2128A>G (p.Thr710Ala)

Gene: ALMS1 (ALMS1 centrosome and basal body associated protein; plus strand). Cytogenetic location: 2p13.1.
Variant type: single nucleotide variant.
Coding change: c.2128A>G on transcript NM_001378454.1 (MANE Select); coding-DNA position 2128, A replaced by G.
Protein change: p.Thr710Ala; replaces threonine 710 with alanine.
Molecular consequence: missense variant.
Genome position (GRCh38, 1-based): chr2:73,448,655, A>G. VCF-style: chr2-73448655-A-G. GRCh37 (hg19) VCF-style: chr2-73675782-A-G.
Other names: c.2131A>G, p.Thr711Ala (NM_015120.4); short protein forms T711A, T710A.
Identifiers: ClinVar variation 553462 (VCV000553462.14), dbSNP rs367641723, ClinGen allele CA1713283.

ClinVar aggregate classification (germline): Conflicting classifications of pathogenicity. Review status: criteria provided, conflicting classifications (1 of 4 stars). 6 submissions from 6 submitters: Uncertain significance (3); Likely benign (1). 2 of the submissions do not count toward it. Last evaluated 2025-06-02.

Conditions:
Cardiovascular phenotype. Identifiers: MedGen CN230736.
Alstrom syndrome (ALMS). Identifiers: Orphanet 64, MedGen C0268425, MONDO:0008763, OMIM 203800.

Allele frequency attached by ClinVar (database versions not stated): TOPMed 0.00003; gnomAD 0.00005 and 0.00003; ESP Exome Variant Server 0.00017; 1000 Genomes Project 0.00020; 1000 Genomes Project 30x 0.00031; gnomAD exomes 0.00001 and 0.00002; ExAC 0.00003.
gnomAD v4.1: 20 of 1,613,484 alleles (0.0012%); highest among the groups gnomAD compares: South Asian, 0.0033%; no homozygotes.

Submissions (6):

Women's Health and Genetics/Laboratory Corporation of America, LabCorp
Classification: Uncertain significance. Last evaluated: 2025-06-02. Review status: criteria provided, single submitter. Criteria: LabCorp Variant Classification Summary - May 2015. Collection method: clinical testing. Allele origin: germline.

Labcorp Genetics (formerly Invitae), Labcorp
Classification: Uncertain significance for Alstrom syndrome. Last evaluated: 2024-11-11. Review status: criteria provided, single submitter. Criteria: Invitae Variant Classification Sherloc (09022015). Collection method: clinical testing. Allele origin: germline.
Comment: This sequence change replaces threonine, which is neutral and polar, with alanine, which is neutral and non-polar, at codon 711 of the ALMS1 protein (p.Thr711Ala). This variant is present in population databases (rs367641723, gnomAD 0.003%). This variant has not been reported in the literature in individuals affected with ALMS1-related conditions. ClinVar contains an entry for this variant (Variation ID: 553462). Experimental studies and prediction algorithms are not available or were not evaluated, and the functional significance of this variant is currently unknown. In summary, the available evidence is currently insufficient to determine the role of this variant in disease. Therefore, it has been classified as a Variant of Uncertain Significance.

Ambry Genetics
Classification: Likely benign for Cardiovascular phenotype. Last evaluated: 2023-11-03. Review status: criteria provided, single submitter. Criteria: Ambry Variant Classification Scheme 2023. Collection method: clinical testing. Allele origin: germline.

Fulgent Genetics
Classification: Uncertain significance for Alstrom syndrome. Last evaluated: 2022-03-08. Review status: criteria provided, single submitter. Criteria: ACMG Guidelines, 2015. Collection method: clinical testing. Allele origin: unknown.

Natera, Inc.
Classification: Uncertain significance for Alstrom syndrome. Last evaluated: 2021-04-13. Review status: no assertion criteria provided. Collection method: clinical testing. Allele origin: germline. Not counted in ClinVar's aggregate classification.

Counsyl
Classification: Uncertain significance for Alstrom syndrome. Last evaluated: 2017-09-11. Review status: no assertion criteria provided. Collection method: clinical testing. Allele origin: unknown. Not counted in ClinVar's aggregate classification.